The following is an entry in ClinVar:

NM_170699.3(GPBAR1):c.336G>T (p.Met112Ile)

Gene: GPBAR1 (G protein-coupled bile acid receptor 1; plus strand). Cytogenetic location: 2q35.
Variant type: single nucleotide variant.
Coding change: c.336G>T on transcript NM_170699.3 (MANE Select); coding-DNA position 336, G replaced by T.
Protein change: p.Met112Ile; replaces methionine 112 with isoleucine.
Molecular consequence: missense variant.
Genome position (GRCh38, 1-based): chr2:218,263,060, G>T. VCF-style: chr2-218263060-G-T. GRCh37 (hg19) VCF-style: chr2-219127783-G-T.
Other names: c.336G>T, p.Met112Ile (NM_001077191.2, NM_001077194.2, NM_001321950.2); short protein forms M112I.
Identifiers: ClinVar variation 3357439 (VCV003357439.1).

ClinVar aggregate classification (germline): Likely benign (0 of 4 stars; one submission).

Conditions:
GPBAR1-related disorder. Also called: GPBAR1-related condition.

Submission:

PreventionGenetics, part of Exact Sciences
Classification: Likely benign for GPBAR1-related condition. Last evaluated: 2024-07-15. Review status: no assertion criteria provided. Collection method: clinical testing. Allele origin: germline.
Comment: This variant is classified as likely benign based on ACMG/AMP sequence variant interpretation guidelines (Richards et al. 2015 PMID: 25741868, with internal and published modifications).